The following is an entry in ClinVar:

NM_002519.3(NPAT):c.374A>T (p.Lys125Met)

Gene: NPAT (nuclear protein, coactivator of histone transcription; minus strand). Cytogenetic location: 11q22.3.
Variant type: single nucleotide variant.
Coding change: c.374A>T on transcript NM_002519.3 (MANE Select); coding-DNA position 374, A replaced by T.
Protein change: p.Lys125Met; replaces lysine 125 with methionine.
Molecular consequence: missense variant.
Genome position (GRCh38, 1-based): chr11:108,189,288, T>A on the plus strand (A>T on the coding strand, the complement: NPAT is on the minus strand). VCF-style: chr11-108189288-T-A. GRCh37 (hg19) VCF-style: chr11-108060015-T-A.
Other names: c.374A>T, p.Lys125Met (NM_001321307.1); short protein forms K125M.
Identifiers: ClinVar variation 3407150 (VCV003407150.1).

ClinVar aggregate classification (germline): Uncertain significance (1 of 4 stars; one submission).

gnomAD v4.1: 1 of 1,614,202 alleles (0.000062%); highest among the groups gnomAD compares: East Asian, 0.0022%; no homozygotes.

Submission:

Ambry Genetics
Classification: Uncertain significance. Last evaluated: 2024-06-27. Review status: criteria provided, single submitter. Criteria: Ambry Variant Classification Scheme 2023. Collection method: clinical testing. Allele origin: germline.
Comment: The p.K125M variant (also known as c.374A>T), located in coding exon 6 of the NPAT gene, results from an A to T substitution at nucleotide position 374. The lysine at codon 125 is replaced by methionine, an amino acid with similar properties. This amino acid position is conserved. In addition, this alteration is predicted to be tolerated by in silico analysis. Based on the available evidence, the clinical significance of this variant remains unclear.